The following is an entry in ClinVar:

NM_003640.5(ELP1):c.3707T>C (p.Val1236Ala)

Gene: ELP1 (elongator acetyltransferase complex subunit 1; minus strand). Cytogenetic location: 9q31.3.
Variant type: single nucleotide variant.
Coding change: c.3707T>C on transcript NM_003640.5 (MANE Select); coding-DNA position 3707, T replaced by C.
Protein change: p.Val1236Ala; replaces valine 1236 with alanine.
Molecular consequence: missense variant.
Genome position (GRCh38, 1-based): chr9:108,878,143, A>G on the plus strand (T>C on the coding strand, the complement: ELP1 is on the minus strand). VCF-style: chr9-108878143-A-G. GRCh37 (hg19) VCF-style: chr9-111640423-A-G.
Other names: c.3365T>C, p.Val1122Ala (NM_001318360.2); c.2660T>C, p.Val887Ala (NM_001330749.2); short protein forms V1122A, V1236A, V887A.
Identifiers: ClinVar variation 1799953 (VCV001799953.2), dbSNP rs2537855142, ClinGen allele CA374410847.

ClinVar aggregate classification (germline): Uncertain significance (1 of 4 stars; one submission).

Submission:

Ambry Genetics
Classification: Uncertain significance. Last evaluated: 2022-09-19. Review status: criteria provided, single submitter. Criteria: Ambry Variant Classification Scheme 2023. Collection method: clinical testing. Allele origin: germline.
Comment: The p.V1236A variant (also known as c.3707T>C), located in coding exon 34 of the IKBKAP gene, results from a T to C substitution at nucleotide position 3707. The valine at codon 1236 is replaced by alanine, an amino acid with similar properties. This amino acid position is conserved. In addition, this alteration is predicted to be tolerated by in silico analysis. Since supporting evidence is limited at this time, the clinical significance of this alteration remains unclear.